The following is an entry in ClinVar:

ClinVar aggregate classification (germline): Uncertain significance (1 of 4 stars; one submission).

Allele frequency attached by ClinVar (database versions not stated): gnomAD exomes below 0.00001; gnomAD 0.00001; TOPMed 0.00001.
gnomAD v4.1: 2 of 1,614,042 alleles (0.00012%); highest among the groups gnomAD compares: Non-Finnish European, 0.00017%; no homozygotes.

Submission:

Labcorp Genetics (formerly Invitae), Labcorp
Classification: Uncertain significance. Last evaluated: 2025-03-17. Review status: criteria provided, single submitter. Criteria: Invitae Variant Classification Sherloc (09022015). Collection method: clinical testing. Allele origin: germline.
Comment: This sequence change replaces aspartic acid, which is acidic and polar, with histidine, which is basic and polar, at codon 518 of the ADAMTS18 protein (p.Asp518His). This variant is present in population databases (no rsID available, gnomAD 0.0009%). This variant has not been reported in the literature in individuals affected with ADAMTS18-related conditions. ClinVar contains an entry for this variant (Variation ID: 958525). An algorithm developed to predict the effect of missense changes on protein structure and function (PolyPhen-2) suggests that this variant is likely to be disruptive. In summary, the available evidence is currently insufficient to determine the role of this variant in disease. Therefore, it has been classified as a Variant of Uncertain Significance.

NM_199355.4(ADAMTS18):c.1552G>C (p.Asp518His)

Gene: ADAMTS18 (ADAM metallopeptidase with thrombospondin type 1 motif 18; minus strand). Cytogenetic location: 16q23.1.
Variant type: single nucleotide variant.
Coding change: c.1552G>C on transcript NM_199355.4 (MANE Select); coding-DNA position 1552, G replaced by C.
Protein change: p.Asp518His; replaces aspartic acid 518 with histidine.
Molecular consequence: missense variant.
Genome position (GRCh38, 1-based): chr16:77,353,795, C>G on the plus strand (G>C on the coding strand, the complement: ADAMTS18 is on the minus strand). VCF-style: chr16-77353795-C-G. GRCh37 (hg19) VCF-style: chr16-77387692-C-G.
Other names: c.1036G>C, p.Asp346His (NM_001326358.2); short protein forms D346H, D518H.
Identifiers: ClinVar variation 958525 (VCV000958525.8), dbSNP rs1382363629, ClinGen allele CA396834484.
Genomic context (GRCh38, chr16:77,353,795, plus strand): 5'-TCACAAAACCAAGGCTGCATAACTTGGCTTTTGCTCCAAATTGCCATTTACACTGTGTGT[C>G]AGCATCATAAATCTGTCCTGGTAGTTTGTCCGGATATTTATACTGTCCTGCTTGCTTGGG-3'
Protein context (NP_955387.1, residues 508-528): DKLPGQIYDA[Asp518His]TQCKWQFGAK